The following is an entry in ClinVar:

NM_003924.4(PHOX2B):c.100A>T (p.Ser34Cys)

Genes: PHOX2B (paired like homeobox 2B; minus strand), PHOX2B-AS1 (PHOX2B antisense RNA 1; plus strand). Cytogenetic location: 4p13.
Variant type: single nucleotide variant.
Coding change: c.100A>T on transcript NM_003924.4 (MANE Select); coding-DNA position 100, A replaced by T.
Protein change: p.Ser34Cys; replaces serine 34 with cysteine.
Molecular consequence: missense variant.
Genome position (GRCh38, 1-based): chr4:41,748,511, T>A on the plus strand (A>T on the coding strand, the complement: PHOX2B is on the minus strand). VCF-style: chr4-41748511-T-A. GRCh37 (hg19) VCF-style: chr4-41750528-T-A.
Other names: short protein forms S34C.
Identifiers: ClinVar variation 2122532 (VCV002122532.4), dbSNP rs1733985253, ClinGen allele CA356741092.

ClinVar aggregate classification (germline): Uncertain significance (1 of 4 stars; one submission).

Conditions:
Haddad syndrome (OHD). Also called: Ondine-Hirschsprung disease. Identifiers: Orphanet 99803, MedGen C1859049, MONDO:0020493.

Submission:

Labcorp Genetics (formerly Invitae), Labcorp
Classification: Uncertain significance for Haddad syndrome. Last evaluated: 2022-04-07. Review status: criteria provided, single submitter. Criteria: Invitae Variant Classification Sherloc (09022015). Collection method: clinical testing. Allele origin: germline.
Comment: This sequence change replaces serine, which is neutral and polar, with cysteine, which is neutral and slightly polar, at codon 34 of the PHOX2B protein (p.Ser34Cys). This variant is not present in population databases (gnomAD no frequency). This variant has not been reported in the literature in individuals affected with PHOX2B-related conditions. Algorithms developed to predict the effect of missense changes on protein structure and function (SIFT, PolyPhen-2, Align-GVGD) all suggest that this variant is likely to be disruptive. In summary, the available evidence is currently insufficient to determine the role of this variant in disease. Therefore, it has been classified as a Variant of Uncertain Significance.